The following is an entry in ClinVar:

ClinVar aggregate classification (germline): Uncertain significance (1 of 4 stars; one submission).

Conditions:
Juvenile onset Parkinson disease 19A. Also called: DNAJC6 Parkinson Disease; PARK19. Identifiers: Orphanet 391411, MedGen C3809811, MONDO:0014231, OMIM 615528.

Allele frequency attached by ClinVar (database versions not stated): gnomAD exomes below 0.00001.
gnomAD v4.1: 2 of 1,612,704 alleles (0.00012%); highest among the groups gnomAD compares: Non-Finnish European, 0.00017%; no homozygotes.

Submission:

Labcorp Genetics (formerly Invitae), Labcorp
Classification: Uncertain significance for Juvenile onset Parkinson disease 19A. Last evaluated: 2020-11-28. Review status: criteria provided, single submitter. Criteria: Invitae Variant Classification Sherloc (09022015). Collection method: clinical testing. Allele origin: germline.
Comment: In summary, the available evidence is currently insufficient to determine the role of this variant in disease. Therefore, it has been classified as a Variant of Uncertain Significance. Algorithms developed to predict the effect of missense changes on protein structure and function output the following: SIFT: "Tolerated"; PolyPhen-2: "Benign"; Align-GVGD: "Class C0". The asparagine amino acid residue is found in multiple mammalian species, suggesting that this missense change does not adversely affect protein function. These predictions have not been confirmed by published functional studies and their clinical significance is uncertain. This variant has not been reported in the literature in individuals with DNAJC6-related conditions. This variant is not present in population databases (ExAC no frequency). This sequence change replaces serine with asparagine at codon 661 of the DNAJC6 protein (p.Ser661Asn). The serine residue is weakly conserved and there is a small physicochemical difference between serine and asparagine.

NM_001256864.2(DNAJC6):c.1982G>A (p.Ser661Asn)

Gene: DNAJC6 (DnaJ heat shock protein family (Hsp40) member C6; plus strand). Cytogenetic location: 1p31.3.
Variant type: single nucleotide variant.
Coding change: c.1982G>A on transcript NM_001256864.2 (MANE Select); coding-DNA position 1982, G replaced by A.
Protein change: p.Ser661Asn; replaces serine 661 with asparagine.
Molecular consequence: missense variant.
Genome position (GRCh38, 1-based): chr1:65,394,976, G>A. VCF-style: chr1-65394976-G-A. GRCh37 (hg19) VCF-style: chr1-65860659-G-A.
Other names: c.1772G>A, p.Ser591Asn (NM_001256865.2); c.1811G>A, p.Ser604Asn (NM_014787.4); short protein forms S604N, S661N, S591N.
Identifiers: ClinVar variation 1426533 (VCV001426533.8), dbSNP rs2101618114, ClinGen allele CA340690321.